The following is an entry in ClinVar:

NM_000552.5(VWF):c.4413C>T (p.Pro1471=)

Gene: VWF (von Willebrand factor; minus strand). Cytogenetic location: 12p13.31.
Variant type: single nucleotide variant.
Coding change: c.4413C>T on transcript NM_000552.5 (MANE Select); coding-DNA position 4413, C replaced by T.
Protein change: p.Pro1471=; no amino-acid change (proline 1471 retained).
Molecular consequence: synonymous variant.
Genome position (GRCh38, 1-based): chr12:6,019,005, G>A on the plus strand (C>T on the coding strand, the complement: VWF is on the minus strand). VCF-style: chr12-6019005-G-A. GRCh37 (hg19) VCF-style: chr12-6128171-G-A.
Identifiers: ClinVar variation 3769354 (VCV003769354.2).
Genomic context (GRCh38, chr12:6,019,005, plus strand): 5'-CTTGGGCCCCAGGGTCGAAACCCCCAAGAGCCCCGGGCCCACAGTGACTTGTGCCATGTC[G>A]GGGGGCAGAGTAGGAGGAGGGGCTTCAGGGGCAAGGTCACAGAGGTAGCTAACGATCTCG-3'
Protein context (NP_000543.3, residues 1461-1481): APEAPPPTLP[Pro1471=]DMAQVTVGPG

ClinVar aggregate classification (germline): Likely benign (1 of 4 stars; one submission).

gnomAD v4.1: 58 of 1,613,192 alleles (0.0036%); highest among the groups gnomAD compares: East Asian, 0.082%; no homozygotes.

Submission:

Women's Health and Genetics/Laboratory Corporation of America, LabCorp
Classification: Likely benign. Last evaluated: 2025-01-28. Review status: criteria provided, single submitter. Criteria: LabCorp Variant Classification Summary - May 2015. Collection method: clinical testing. Allele origin: germline.
Comment: Variant summary: VWF c.4413C>T alters a conserved nucleotide resulting in a synonymous change. The variant allele was found at a frequency of 5.2e-05 in 249688 control chromosomes (gnomAD). To our knowledge, no occurrence of c.4413C>T in individuals affected with Von Willebrand Disease and no experimental evidence demonstrating its impact on protein function have been reported. No submitters have cited clinical-significance assessments for this variant to ClinVar. Based on the evidence outlined above, the variant was classified as likely benign.